The following is an entry in ClinVar:

ClinVar aggregate classification (germline): Likely benign. Review status: criteria provided, multiple submitters, no conflicts (2 of 4 stars). 4 submissions from 4 submitters: Likely benign (4). Last evaluated 2026-01-10.

Conditions:
Hereditary cancer-predisposing syndrome. Also called: Hereditary Cancer Syndrome; Hereditary neoplastic syndrome; Neoplastic Syndromes, Hereditary; Tumor predisposition. Identifiers: Orphanet 140162, MedGen C0027672, MeSH D009386, MONDO:0015356.

Allele frequency attached by ClinVar (database versions not stated): gnomAD exomes 0.00001 and 0.00002; gnomAD 0.00002; TOPMed 0.00002; ExAC 0.00003.
gnomAD v4.1: 20 of 1,612,536 alleles (0.0012%); highest among the groups gnomAD compares: South Asian, 0.0044%; no homozygotes.

Submissions (4):

Labcorp Genetics (formerly Invitae), Labcorp
Classification: Likely benign. Last evaluated: 2026-01-10. Review status: criteria provided, single submitter. Criteria: Invitae Variant Classification Sherloc (09022015). Collection method: clinical testing. Allele origin: germline.

Center for Genomic Medicine, Rigshospitalet, Copenhagen University Hospital
Classification: Likely benign. Last evaluated: 2025-03-04. Review status: criteria provided, single submitter. Criteria: ACMG Guidelines, 2015. Collection method: clinical testing. Allele origin: germline.
Comment: Classification criteria: BP4, BP7

GeneDx
Classification: Likely benign. Last evaluated: 2017-02-16. Review status: criteria provided, single submitter. Criteria: GeneDx Variant Classification (06012015). Collection method: clinical testing. Allele origin: germline. Affected: yes.
Comment: This variant is considered likely benign or benign based on one or more of the following criteria: it is a conservative change, it occurs at a poorly conserved position in the protein, it is predicted to be benign by multiple in silico algorithms, and/or has population frequency not consistent with disease.

Ambry Genetics
Classification: Likely benign for Hereditary cancer-predisposing syndrome. Last evaluated: 2015-10-11. Review status: criteria provided, single submitter. Criteria: Ambry Variant Classification Scheme 2023. Collection method: clinical testing. Allele origin: germline.

NM_006231.4(POLE):c.4026C>T (p.Ala1342=)

Gene: POLE (DNA polymerase epsilon, catalytic subunit; minus strand). Cytogenetic location: 12q24.33.
Variant type: single nucleotide variant.
Coding change: c.4026C>T on transcript NM_006231.4 (MANE Select); coding-DNA position 4026, C replaced by T.
Protein change: p.Ala1342=; no amino-acid change (alanine 1342 retained).
Molecular consequence: synonymous variant.
Genome position (GRCh38, 1-based): chr12:132,649,052, G>A on the plus strand (C>T on the coding strand, the complement: POLE is on the minus strand). VCF-style: chr12-132649052-G-A. GRCh37 (hg19) VCF-style: chr12-133225638-G-A.
Identifiers: ClinVar variation 384964 (VCV000384964.17), dbSNP rs764030317, ClinGen allele CA6893015.